The following is an entry in ClinVar:

NM_005220.3(DLX3):c.728A>G (p.Tyr243Cys)

Gene: DLX3 (distal-less homeobox 3; minus strand). Cytogenetic location: 17q21.33.
Variant type: single nucleotide variant.
Coding change: c.728A>G on transcript NM_005220.3 (MANE Select); coding-DNA position 728, A replaced by G.
Protein change: p.Tyr243Cys; replaces tyrosine 243 with cysteine.
Molecular consequence: missense variant.
Genome position (GRCh38, 1-based): chr17:49,991,653, T>C on the plus strand (A>G on the coding strand, the complement: DLX3 is on the minus strand). VCF-style: chr17-49991653-T-C. GRCh37 (hg19) VCF-style: chr17-48069017-T-C.
Other names: short protein forms Y243C.
Identifiers: ClinVar variation 2092519 (VCV002092519.4), dbSNP rs2544346615, ClinGen allele CA400173612.

ClinVar aggregate classification (germline): Uncertain significance (1 of 4 stars; one submission).

Submission:

Labcorp Genetics (formerly Invitae), Labcorp
Classification: Uncertain significance. Last evaluated: 2026-01-12. Review status: criteria provided, single submitter. Criteria: Invitae Variant Classification Sherloc (09022015). Collection method: clinical testing. Allele origin: germline.
Comment: This sequence change replaces tyrosine, which is neutral and polar, with cysteine, which is neutral and slightly polar, at codon 243 of the DLX3 protein (p.Tyr243Cys). This variant is not present in population databases (gnomAD no frequency). This variant has not been reported in the literature in individuals affected with DLX3-related conditions. ClinVar contains an entry for this variant (Variation ID: 2092519). Invitae Evidence Modeling of protein sequence and biophysical properties (such as structural, functional, and spatial information, amino acid conservation, physicochemical variation, residue mobility, and thermodynamic stability) indicates that this missense variant is not expected to disrupt DLX3 protein function with a negative predictive value of 80%. In summary, the available evidence is currently insufficient to determine the role of this variant in disease. Therefore, it has been classified as a Variant of Uncertain Significance.